The following is an entry in ClinVar:

NM_004408.4(DNM1):c.1810G>A (p.Glu604Lys)

Gene: DNM1 (dynamin 1; plus strand). Cytogenetic location: 9q34.11.
Variant type: single nucleotide variant.
Coding change: c.1810G>A on transcript NM_004408.4 (MANE Select); coding-DNA position 1810, G replaced by A.
Protein change: p.Glu604Lys; replaces glutamic acid 604 with lysine.
Molecular consequence: missense variant.
Genome position (GRCh38, 1-based): chr9:128,247,403, G>A. VCF-style: chr9-128247403-G-A. GRCh37 (hg19) VCF-style: chr9-131009682-G-A.
Other names: c.1810G>A, p.Glu604Lys (NM_001005336.3, NM_001288737.2, NM_001288738.2 and 1 more transcripts); short protein forms E604K.
Identifiers: ClinVar variation 649733 (VCV000649733.14), dbSNP rs1588449811, ClinGen allele CA375028006.
Genomic context (GRCh38, chr9:128,247,403, plus strand): 5'-CATCTGCCCTCACTGCCTGCCCTATCTTGCAGGAATGTCTACAAGGATTATCGGCAGCTG[G>A]AGCTAGCCTGTGAGACACAGGAGGAGGTGGACAGCTGGAAGGCCTCCTTCCTGAGGGCTG-3'
Protein context (NP_004399.2, residues 594-614): RNVYKDYRQL[Glu604Lys]LACETQEEVD

ClinVar aggregate classification (germline): Conflicting classifications of pathogenicity. Review status: criteria provided, conflicting classifications (1 of 4 stars). 3 submissions from 3 submitters: Pathogenic (1); Uncertain significance (2). Last evaluated 2025-03-20.

Conditions:
Developmental and epileptic encephalopathy, 31A. Also called: Epileptic encephalopathy, early infantile, 31; Developmental and epileptic encephalopathy, 31. Identifiers: Orphanet 2382, MedGen C4225357, MONDO:0014598, OMIM 616346.

Submissions (3):

GeneDx
Classification: Pathogenic. Last evaluated: 2025-03-20. Review status: criteria provided, single submitter. Criteria: GeneDx Variant Classification Process June 2021. Collection method: clinical testing. Allele origin: germline. Affected: yes.
Comment: Has not been previously published as pathogenic or benign to our knowledge; Not observed at significant frequency in large population cohorts (gnomAD); In silico analysis supports that this missense variant has a deleterious effect on protein structure/function

Revvity Omics, Revvity
Classification: Uncertain significance. Last evaluated: 2022-01-14. Review status: criteria provided, single submitter. Criteria: ACMG Guidelines, 2015. Collection method: clinical testing. Allele origin: germline.

Labcorp Genetics (formerly Invitae), Labcorp
Classification: Uncertain significance for Developmental and epileptic encephalopathy, 31A. Last evaluated: 2019-03-19. Review status: criteria provided, single submitter. Criteria: Invitae Variant Classification Sherloc (09022015). Collection method: clinical testing. Allele origin: germline.
Comment: In summary, the available evidence is currently insufficient to determine the role of this variant in disease. Therefore, it has been classified as a Variant of Uncertain Significance. Algorithms developed to predict the effect of missense changes on protein structure and function are either unavailable or do not agree on the potential impact of this missense change (SIFT: "Deleterious"; PolyPhen-2: "Probably Damaging"; Align-GVGD: "Class C0"). This variant has not been reported in the literature in individuals with DNM1-related disease. This variant is not present in population databases (ExAC no frequency). This sequence change replaces glutamic acid with lysine at codon 604 of the DNM1 protein (p.Glu604Lys). The glutamic acid residue is highly conserved and there is a small physicochemical difference between glutamic acid and lysine.